The following is an entry in ClinVar:

NM_015102.5(NPHP4):c.1192C>A (p.Leu398Met)

Gene: NPHP4 (nephrocystin 4; minus strand). Cytogenetic location: 1p36.31.
Variant type: single nucleotide variant.
Coding change: c.1192C>A on transcript NM_015102.5 (MANE Select); coding-DNA position 1192, C replaced by A.
Protein change: p.Leu398Met; replaces leucine 398 with methionine.
Molecular consequence: missense variant. On other transcripts: 5 prime UTR variant (2), non-coding transcript variant (1).
Genome position (GRCh38, 1-based): chr1:5,933,257, G>T on the plus strand (C>A on the coding strand, the complement: NPHP4 is on the minus strand). VCF-style: chr1-5933257-G-T. GRCh37 (hg19) VCF-style: chr1-5993317-G-T.
Other names: c.-175C>A (NM_001291593.2, NM_001291594.2); c.1192C>A (NM_015102.3); short protein forms L398M.
Identifiers: ClinVar variation 860845 (VCV000860845.11), dbSNP rs200378192, ClinGen allele CA554599.
Genomic context (GRCh38, chr1:5,933,257, plus strand): 5'-AGGGGTTGGGCTGGATCCCACCCTGCAGAGGCAGGGTCACCCTTCCAGAATCAGCTTCCA[G>T]CAAGGGGTTCCAAACAGCCCAGCGGACCATGTGCATGCATGCCAGGTTGGACAGAGAGGT-3'
Protein context (NP_055917.1, residues 388-408): MVRWAVWNPL[Leu398Met]EADSGRVTLP

ClinVar aggregate classification (germline): Uncertain significance. Review status: criteria provided, multiple submitters, no conflicts (2 of 4 stars). 3 submissions from 3 submitters: Uncertain significance (3). Last evaluated 2025-08-02.

Conditions:
Nephronophthisis. Also called: Juvenile Nephronophthisis. Identifiers: Orphanet 655, MedGen C0687120, MONDO:0019005, HP:0000090.
Inborn genetic diseases. Identifiers: MedGen C0950123, MeSH D030342.
Senior-Loken syndrome 4 (SLSN4). Identifiers: Orphanet 3156, MedGen C1846979, MONDO:0011756, OMIM 606996.
Nephronophthisis 4 (NPHP4). Also called: NEPHRONOPHTHISIS 4, JUVENILE. Identifiers: Orphanet 655, MedGen C1847013, MONDO:0011752, OMIM 606966.

Allele frequency attached by ClinVar (database versions not stated): gnomAD exomes below 0.00001; ExAC 0.00001; gnomAD 0.00004 and 0.00005; TOPMed 0.00007; 1000 Genomes Project 0.00040; 1000 Genomes Project 30x 0.00047.
gnomAD v4.1: 13 of 1,613,860 alleles (0.00081%); highest among the groups gnomAD compares: Admixed American, 0.01%; no homozygotes.

Submissions (3):

Ambry Genetics
Classification: Uncertain significance for Inborn genetic diseases. Last evaluated: 2025-08-02. Review status: criteria provided, single submitter. Criteria: Ambry Variant Classification Scheme 2023. Collection method: clinical testing. Allele origin: germline.

Fulgent Genetics
Classification: Uncertain significance for Nephronophthisis 4; Senior-Loken syndrome 4. Last evaluated: 2023-12-28. Review status: criteria provided, single submitter. Criteria: ACMG Guidelines, 2015. Collection method: clinical testing. Allele origin: germline.

Labcorp Genetics (formerly Invitae), Labcorp
Classification: Uncertain significance for Nephronophthisis. Last evaluated: 2022-11-01. Review status: criteria provided, single submitter. Criteria: Invitae Variant Classification Sherloc (09022015). Collection method: clinical testing. Allele origin: germline.
Comment: ClinVar contains an entry for this variant (Variation ID: 860845). This variant has not been reported in the literature in individuals affected with NPHP4-related conditions. This variant is not present in population databases (gnomAD no frequency). This sequence change replaces leucine, which is neutral and non-polar, with methionine, which is neutral and non-polar, at codon 398 of the NPHP4 protein (p.Leu398Met). Advanced modeling of protein sequence and biophysical properties (such as structural, functional, and spatial information, amino acid conservation, physicochemical variation, residue mobility, and thermodynamic stability) performed at Invitae indicates that this missense variant is not expected to disrupt NPHP4 protein function. In summary, the available evidence is currently insufficient to determine the role of this variant in disease. Therefore, it has been classified as a Variant of Uncertain Significance.